The following is an entry in ClinVar:

ClinVar aggregate classification (germline): Uncertain significance (1 of 4 stars; one submission).

Submission:

GeneDx
Classification: Uncertain significance. Last evaluated: 2026-02-24. Review status: criteria provided, single submitter. Criteria: GeneDx Variant Classification Process June 2021. Collection method: clinical testing. Allele origin: germline.
Comment: Not observed at significant frequency in large population cohorts (gnomAD); In silico analysis suggests that this missense variant does not alter protein structure/function; Has not been previously published as pathogenic or benign to our knowledge

NM_015046.7(SETX):c.3335C>T (p.Ala1112Val)

Gene: SETX (senataxin; minus strand). Cytogenetic location: 9q34.13.
Variant type: single nucleotide variant.
Coding change: c.3335C>T on transcript NM_015046.7 (MANE Select); coding-DNA position 3335, C replaced by T.
Protein change: p.Ala1112Val; replaces alanine 1112 with valine.
Molecular consequence: missense variant.
Genome position (GRCh38, 1-based): chr9:132,328,263, G>A on the plus strand (C>T on the coding strand, the complement: SETX is on the minus strand). VCF-style: chr9-132328263-G-A. GRCh37 (hg19) VCF-style: chr9-135203650-G-A.
Other names: c.3335C>T, p.Ala1112Val (NM_001351528.2, NM_001351527.2); short protein forms A1112V.
Identifiers: ClinVar variation 5007945 (VCV005007945.1).